The following is an entry in ClinVar:

ClinVar aggregate classification (germline): Likely pathogenic (1 of 4 stars; one submission).

Conditions:
Hereditary sensory and autonomic neuropathy type 1 (HSAN1). Also called: HSAN 1; HSN Type I; Hereditary Sensory Neuropathy Type I. Identifiers: Orphanet 36386, MedGen C0020071, MONDO:0018213.

Submission:

Labcorp Genetics (formerly Invitae), Labcorp
Classification: Likely pathogenic for Hereditary sensory and autonomic neuropathy type 1. Last evaluated: 2022-06-15. Review status: criteria provided, single submitter. Criteria: Invitae Variant Classification Sherloc (09022015). Collection method: clinical testing. Allele origin: germline.
Comment: In summary, the currently available evidence indicates that the variant is pathogenic, but additional data are needed to prove that conclusively. Therefore, this variant has been classified as Likely Pathogenic. This variant disrupts the p.Cys133 amino acid residue in SPTLC1. Other variant(s) that disrupt this residue have been determined to be pathogenic (PMID: 11242106, 11242114, 14990347, 16210380, 16364956, 18018475, 19132419, 19923297, 22302274, 26681808). This suggests that this residue is clinically significant, and that variants that disrupt this residue are likely to be disease-causing. Algorithms developed to predict the effect of missense changes on protein structure and function are either unavailable or do not agree on the potential impact of this missense change (SIFT: "Deleterious"; PolyPhen-2: "Probably Damaging"; Align-GVGD: "Class C0"). This missense change has been observed in individual(s) with hereditary sensory and autonomic neuropathy (PMID: 31742231). In at least one individual the variant was observed to be de novo. This variant is not present in population databases (gnomAD no frequency). This sequence change replaces cysteine, which is neutral and slightly polar, with phenylalanine, which is neutral and non-polar, at codon 133 of the SPTLC1 protein (p.Cys133Phe).

Literature cited by the submitters: PubMed 11242106; PubMed 11242114; PubMed 14990347; PubMed 16210380; PubMed 16364956; PubMed 18018475; PubMed 19132419; PubMed 19923297; PubMed 22302274; PubMed 26681808; PubMed 31742231.

NM_006415.4(SPTLC1):c.398G>T (p.Cys133Phe)

Gene: SPTLC1 (serine palmitoyltransferase long chain base subunit 1; minus strand). Cytogenetic location: 9q22.31.
Variant type: single nucleotide variant.
Coding change: c.398G>T on transcript NM_006415.4 (MANE Select); coding-DNA position 398, G replaced by T.
Protein change: p.Cys133Phe; replaces cysteine 133 with phenylalanine.
Molecular consequence: missense variant. On other transcripts: 5 prime UTR variant (2).
Genome position (GRCh38, 1-based): chr9:92,080,045, C>A on the plus strand (G>T on the coding strand, the complement: SPTLC1 is on the minus strand). VCF-style: chr9-92080045-C-A. GRCh37 (hg19) VCF-style: chr9-94842327-C-A.
Other names: c.398G>T, p.Cys133Phe (NM_001281303.2, NM_178324.3); c.-102G>T (NM_001368272.1); c.-68G>T (NM_001368273.1); short protein forms C133F.
Identifiers: ClinVar variation 1917874 (VCV001917874.5), dbSNP rs119482081, ClinGen allele CA373788049.